The following is an entry in ClinVar:

ClinVar aggregate classification (germline): Pathogenic (1 of 4 stars; one submission).

Submission:

Labcorp Genetics (formerly Invitae), Labcorp
Classification: Pathogenic. Last evaluated: 2023-12-26. Review status: criteria provided, single submitter. Criteria: Invitae Variant Classification Sherloc (09022015). Collection method: clinical testing. Allele origin: unknown.
Comment: This variant is a gross deletion of the genomic region encompassing exon(s) 5-6 of the GHR gene. This deletion is out-of-frame, and is expected to create a premature termination codon and result in an absent or disrupted protein product. Loss-of-function variants in GHR are known to be pathogenic (PMID: 1999489, 8488849). This variant has not been reported in the literature in individuals affected with GHR-related conditions. For these reasons, this variant has been classified as Pathogenic.

Literature cited by the submitters: PubMed 1999489; PubMed 8488849.

NC_000005.9:g.(?_42694999)_(42700896_?)del

Gene: GHR (growth hormone receptor; plus strand). Cytogenetic location: 5p12.
Variant type: Deletion.
Identifiers: ClinVar variation 3246441 (VCV003246441.1).